The following is an entry in ClinVar:

NM_198578.4(LRRK2):c.2525T>G (p.Met842Arg)

Gene: LRRK2 (leucine rich repeat kinase 2; plus strand). Cytogenetic location: 12q12.
Variant type: single nucleotide variant.
Coding change: c.2525T>G on transcript NM_198578.4 (MANE Select); coding-DNA position 2525, T replaced by G.
Protein change: p.Met842Arg; replaces methionine 842 with arginine.
Molecular consequence: missense variant.
Genome position (GRCh38, 1-based): chr12:40,287,375, T>G. VCF-style: chr12-40287375-T-G. GRCh37 (hg19) VCF-style: chr12-40681177-T-G.
Other names: short protein forms M842R.
Identifiers: ClinVar variation 3291977 (VCV003291977.1).

ClinVar aggregate classification (germline): Uncertain significance (1 of 4 stars; one submission).

Conditions:
Inborn genetic diseases. Identifiers: MedGen C0950123, MeSH D030342.

Submission:

Ambry Genetics
Classification: Uncertain significance for Inborn genetic diseases. Last evaluated: 2024-04-26. Review status: criteria provided, single submitter. Criteria: Ambry Variant Classification Scheme 2023. Collection method: clinical testing. Allele origin: germline.
Comment: The p.M842R variant (also known as c.2525T>G), located in coding exon 20 of the LRRK2 gene, results from a T to G substitution at nucleotide position 2525. The methionine at codon 842 is replaced by arginine, an amino acid with similar properties. This amino acid position is conserved. In addition, the in silico prediction for this alteration is inconclusive. Based on the available evidence, the clinical significance of this variant remains unclear.